The following is an entry in ClinVar:

ClinVar aggregate classification (germline): Conflicting classifications of pathogenicity. Review status: criteria provided, conflicting classifications (1 of 4 stars). 7 submissions from 7 submitters: Uncertain significance (5); Likely benign (1). 1 of the submissions does not count toward it. Last evaluated 2025-07-15.

Conditions:
Inborn genetic diseases. Identifiers: MedGen C0950123, MeSH D030342.
Smith-Lemli-Opitz syndrome (SLOS). Also called: POLYDACTYLY, SEX REVERSAL, RENAL HYPOPLASIA, AND UNILOBAR LUNG; RSH SYNDROME; RUTLEDGE LETHAL MULTIPLE CONGENITAL ANOMALY SYNDROME; 7-Dehydrocholesterol reductase deficiency; LETHAL ACRODYSGENITAL SYNDROME. Identifiers: Orphanet 818, MedGen C0175694, MONDO:0010035, OMIM 270400.

Allele frequency attached by ClinVar (database versions not stated): gnomAD exomes below 0.00001.
gnomAD v4.1: 9 of 1,608,842 alleles (0.00056%); highest among the groups gnomAD compares: African/African-American, 0.008%; no homozygotes.

Submissions (7):

Mayo Clinic Laboratories, Mayo Clinic
Classification: Uncertain significance. Last evaluated: 2025-07-15. Review status: criteria provided, single submitter. Criteria: ACMG Guidelines, 2015. Collection method: clinical testing. Allele origin: germline. Observed: 1 variant allele.
Comment: PM2_supporting

Ambry Genetics
Classification: Likely benign for Inborn genetic diseases. Last evaluated: 2025-04-28. Review status: criteria provided, single submitter. Criteria: Ambry Variant Classification Scheme 2023. Collection method: clinical testing. Allele origin: germline.

GeneDx
Classification: Uncertain significance. Last evaluated: 2022-07-07. Review status: criteria provided, single submitter. Criteria: GeneDx Variant Classification Process June 2021. Collection method: clinical testing. Allele origin: germline. Affected: yes.
Comment: Not observed at significant frequency in large population cohorts (gnomAD); In silico analysis supports that this missense variant does not alter protein structure/function; Has not been previously published as pathogenic or benign to our knowledge

Fulgent Genetics
Classification: Uncertain significance for Smith-Lemli-Opitz syndrome. Last evaluated: 2022-03-30. Review status: criteria provided, single submitter. Criteria: ACMG Guidelines, 2015. Collection method: clinical testing. Allele origin: unknown.

Labcorp Genetics (formerly Invitae), Labcorp
Classification: Uncertain significance for Smith-Lemli-Opitz syndrome. Last evaluated: 2022-03-20. Review status: criteria provided, single submitter. Criteria: Invitae Variant Classification Sherloc (09022015). Collection method: clinical testing. Allele origin: germline.
Comment: This sequence change replaces phenylalanine, which is neutral and non-polar, with leucine, which is neutral and non-polar, at codon 406 of the DHCR7 protein (p.Phe406Leu). This variant is not present in population databases (gnomAD no frequency). This variant has not been reported in the literature in individuals affected with DHCR7-related conditions. ClinVar contains an entry for this variant (Variation ID: 938032). Algorithms developed to predict the effect of missense changes on protein structure and function output the following: SIFT: "Tolerated"; PolyPhen-2: "Benign"; Align-GVGD: "Class C0". The leucine amino acid residue is found in multiple mammalian species, which suggests that this missense change does not adversely affect protein function. In summary, the available evidence is currently insufficient to determine the role of this variant in disease. Therefore, it has been classified as a Variant of Uncertain Significance.

Genetic Services Laboratory, University of Chicago
Classification: Uncertain significance. Last evaluated: 2021-12-10. Review status: criteria provided, single submitter. Criteria: ACMG Guidelines, 2015. Collection method: clinical testing. Allele origin: germline. Affected: no.
Comment: DNA sequence analysis of the DHCR7 gene demonstrated a sequence change, c.1218C>G, in exon 9 that results in an amino acid change, p.Phe406Leu. This sequence change does not appear to have been previously described in individuals with DHCR7-related disorders and has also not been described in the population databases such as ExAC and gnomAD. The p.Phe406Leu change affects a moderately conserved amino acid residue located in a domain of the DHCR7 protein that is known to be functional. The p.Phe406Leu substitution appears to be benign using several in-silico pathogenicity prediction tools (SIFT, PolyPhen2, Align GVGD, REVEL). Due to insufficient evidences and the lack of functional studies, the clinical significance of the p.Phe406Leu change remains unknown at this time.

Natera, Inc.
Classification: Uncertain significance for Smith-Lemli-Opitz syndrome. Last evaluated: 2019-04-22. Review status: no assertion criteria provided. Collection method: clinical testing. Allele origin: germline. Not counted in ClinVar's aggregate classification.

NM_001360.3(DHCR7):c.1218C>G (p.Phe406Leu)

Gene: DHCR7 (7-dehydrocholesterol reductase; minus strand). Cytogenetic location: 11q13.4.
Variant type: single nucleotide variant.
Coding change: c.1218C>G on transcript NM_001360.3 (MANE Select); coding-DNA position 1218, C replaced by G.
Protein change: p.Phe406Leu; replaces phenylalanine 406 with leucine.
Molecular consequence: missense variant.
Genome position (GRCh38, 1-based): chr11:71,435,585, G>C on the plus strand (C>G on the coding strand, the complement: DHCR7 is on the minus strand). VCF-style: chr11-71435585-G-C. GRCh37 (hg19) VCF-style: chr11-71146631-G-C.
Other names: p.Phe406Leu; c.1218C>G, p.Phe406Leu (NM_001163817.2); short protein forms F406L.
Identifiers: ClinVar variation 938032 (VCV000938032.13), dbSNP rs1949268068, ClinGen allele CA381701426.
Genomic context (GRCh38, chr11:71,435,585, plus strand): 5'-GTGGCCGCCGCCACAGGCCAGGCAGTAGGCCAGGCTGCCCATCAGGTCGCCGACGTAGTT[G>C]AAGTGGCGGGCCACGCCCCAGAAGCCCGACACCAGCAGCTTGCTGTGGTGCCTCTGCCCA-3'
Protein context (NP_001351.2, residues 396-416): VSGFWGVARH[Phe406Leu]NYVGDLMGSL